The following is an entry in ClinVar:

ClinVar aggregate classification (germline): Uncertain significance. Review status: criteria provided, multiple submitters, no conflicts (2 of 4 stars). 2 submissions from 2 submitters: Uncertain significance (2). Last evaluated 2024-10-29.

Conditions:
Primary ciliary dyskinesia. Also called: Ciliary dyskinesia. Identifiers: Orphanet 244, MedGen C0008780, MONDO:0016575, HP:0012265.
Primary ciliary dyskinesia 28. Also called: CILIARY DYSKINESIA, PRIMARY, 28, WITH OR WITHOUT SITUS INVERSUS. Identifiers: Orphanet 244, MedGen C3809706, MONDO:0014216, OMIM 615505.

Allele frequency attached by ClinVar (database versions not stated): TOPMed 0.00003; gnomAD 0.00004; gnomAD exomes 0.00004; ExAC 0.00005.
gnomAD v4.1: 70 of 1,601,960 alleles (0.0044%); highest among the groups gnomAD compares: Non-Finnish European, 0.0051%; no homozygotes.

Submissions (2):

Labcorp Genetics (formerly Invitae), Labcorp
Classification: Uncertain significance for Primary ciliary dyskinesia 28. Last evaluated: 2024-10-29. Review status: criteria provided, single submitter. Criteria: Invitae Variant Classification Sherloc (09022015). Collection method: clinical testing. Allele origin: germline.
Comment: This sequence change replaces serine, which is neutral and polar, with glycine, which is neutral and non-polar, at codon 504 of the SPAG1 protein (p.Ser504Gly). This variant is present in population databases (rs775610872, gnomAD 0.01%). This variant has not been reported in the literature in individuals affected with SPAG1-related conditions. ClinVar contains an entry for this variant (Variation ID: 2200575). Invitae Evidence Modeling of protein sequence and biophysical properties (such as structural, functional, and spatial information, amino acid conservation, physicochemical variation, residue mobility, and thermodynamic stability) indicates that this missense variant is expected to disrupt SPAG1 protein function with a positive predictive value of 80%. In summary, the available evidence is currently insufficient to determine the role of this variant in disease. Therefore, it has been classified as a Variant of Uncertain Significance.

Ambry Genetics
Classification: Uncertain significance for Primary ciliary dyskinesia. Last evaluated: 2023-12-15. Review status: criteria provided, single submitter. Criteria: Ambry Variant Classification Scheme 2023. Collection method: clinical testing. Allele origin: germline.
Comment: The p.S504G variant (also known as c.1510A>G), located in coding exon 11 of the SPAG1 gene, results from an A to G substitution at nucleotide position 1510. The serine at codon 504 is replaced by glycine, an amino acid with similar properties. This amino acid position is conserved. In addition, this alteration is predicted to be tolerated by in silico analysis. Since supporting evidence is limited at this time, the clinical significance of this alteration remains unclear.

NM_003114.5(SPAG1):c.1510A>G (p.Ser504Gly)

Gene: SPAG1 (sperm associated antigen 1; plus strand). Cytogenetic location: 8q22.2.
Variant type: single nucleotide variant.
Coding change: c.1510A>G on transcript NM_003114.5 (MANE Select); coding-DNA position 1510, A replaced by G.
Protein change: p.Ser504Gly; replaces serine 504 with glycine.
Molecular consequence: missense variant.
Genome position (GRCh38, 1-based): chr8:100,213,893, A>G. VCF-style: chr8-100213893-A-G. GRCh37 (hg19) VCF-style: chr8-101226121-A-G.
Other names: c.1510A>G, p.Ser504Gly (NM_001374321.1, NM_172218.3); c.1510A>G (NM_172218.2); short protein forms S504G.
Identifiers: ClinVar variation 2200575 (VCV002200575.4), dbSNP rs775610872, ClinGen allele CA4827508.